The following is an entry in ClinVar:

NM_000890.5(KCNJ5):c.1192G>C (p.Ala398Pro)

Gene: KCNJ5 (potassium inwardly rectifying channel subfamily J member 5; plus strand). Cytogenetic location: 11q24.3.
Variant type: single nucleotide variant.
Coding change: c.1192G>C on transcript NM_000890.5 (MANE Select); coding-DNA position 1192, G replaced by C.
Protein change: p.Ala398Pro; replaces alanine 398 with proline.
Molecular consequence: missense variant.
Genome position (GRCh38, 1-based): chr11:128,916,663, G>C. VCF-style: chr11-128916663-G-C. GRCh37 (hg19) VCF-style: chr11-128786558-G-C.
Other names: c.1192G>C, p.Ala398Pro (NM_001354169.2); short protein forms A398P.
Identifiers: ClinVar variation 3862863 (VCV003862863.1).

ClinVar aggregate classification (germline): Uncertain significance (1 of 4 stars; one submission).

Conditions:
Cardiovascular phenotype. Identifiers: MedGen CN230736.

Submission:

Ambry Genetics
Classification: Uncertain significance for Cardiovascular phenotype. Last evaluated: 2025-01-23. Review status: criteria provided, single submitter. Criteria: Ambry Variant Classification Scheme 2023. Collection method: clinical testing. Allele origin: germline.
Comment: The p.A398P variant (also known as c.1192G>C), located in coding exon 2 of the KCNJ5 gene, results from a G to C substitution at nucleotide position 1192. The alanine at codon 398 is replaced by proline, an amino acid with highly similar properties. This amino acid position is not well conserved in available vertebrate species. In addition, this alteration is predicted to be tolerated by in silico analysis. Based on the available evidence, the clinical significance of this variant remains unclear.